The following is an entry in ClinVar:

NM_031448.6(C19orf12):c.*2784C>G

Gene: C19orf12 (chromosome 19 open reading frame 12; minus strand). Cytogenetic location: 19q12.
Variant type: single nucleotide variant.
Coding change: c.*2784C>G on transcript NM_031448.6 (MANE Select); 2784 bases downstream of the stop codon, C replaced by G.
Molecular consequence: 3 prime UTR variant.
Genome position (GRCh38, 1-based): chr19:29,699,928, G>C on the plus strand (C>G on the coding strand, the complement: C19orf12 is on the minus strand). VCF-style: chr19-29699928-G-C. GRCh37 (hg19) VCF-style: chr19-30190835-G-C.
Other names: c.*2784C>G (NM_001031726.4, NM_001256047.2, NM_001282929.1 and 2 more transcripts); c.*2831C>G (NM_001256046.3).
Identifiers: ClinVar variation 892219 (VCV000892219.4), dbSNP rs147421675, ClinGen allele CA9351667.
Genomic context (GRCh38, chr19:29,699,928, plus strand): 5'-TACTAAAACCACAGGAGCTGAGAAGCAGCGCTTGATTTCCTGGGGGAAATCAAGAAAAGT[G>C]CTTTCGGCTCCTGGGGGAGATAAGACTCCAGGTTCAGGCTGCCCTTTTAGGCCCAAAGCC-3'

ClinVar aggregate classification (germline): Likely benign (1 of 4 stars; one submission).

Conditions:
Neurodegeneration with brain iron accumulation 4 (NBIA4). Also called: MITOCHONDRIAL PROTEIN-ASSOCIATED NEURODEGENERATION. Identifiers: Orphanet 289560, MedGen C3280371, MONDO:0013674, OMIM 614298. Disease mechanism: loss of function.

Allele frequency attached by ClinVar (database versions not stated): ExAC 0.00065; gnomAD exomes 0.00115 and 0.00191; gnomAD 0.00848 and 0.00894; 1000 Genomes Project 0.00958; TOPMed 0.00963; 1000 Genomes Project 30x 0.01062.

Submission:

Illumina Laboratory Services, Illumina
Classification: Likely benign for Neurodegeneration with brain iron accumulation 4. Last evaluated: 2018-01-12. Review status: criteria provided, single submitter. Criteria: ICSL Variant Classification Criteria 13 December 2019. Collection method: clinical testing. Allele origin: germline.
Comment: This variant was observed in the ICSL laboratory as part of a predisposition screen in an ostensibly healthy population. It had not been previously curated by ICSL or reported in the Human Gene Mutation Database (HGMD: prior to June 1st, 2018), and was therefore a candidate for classification through an automated scoring system. Utilizing variant allele frequency, disease prevalence and penetrance estimates, and inheritance mode, an automated score was calculated to assess if this variant is too frequent to cause the disease. Based on the score and internal cut-off values, a variant classified as likely benign is not then subjected to further curation. The score for this variant resulted in a classification of likely benign for this disease.